The following is an entry in ClinVar:

ClinVar aggregate classification (germline): Conflicting classifications of pathogenicity. Review status: criteria provided, conflicting classifications (1 of 4 stars). 8 submissions from 6 submitters: Uncertain significance (2); Benign (1); Likely benign (5). Last evaluated 2026-01-29.

Conditions:
Cone-rod dystrophy 13 (CORD13). Identifiers: Orphanet 1872, MedGen C2750720, MONDO:0011987, OMIM 608194.
Leber congenital amaurosis 6 (LCA6). Identifiers: Orphanet 65, MedGen C1854260, MONDO:0013446, OMIM 613826.

Allele frequency attached by ClinVar (database versions not stated): 1000 Genomes Project 30x 0.00062; gnomAD 0.00271 and 0.00279; TOPMed 0.00273; ESP Exome Variant Server 0.00323; ExAC 0.00380; gnomAD exomes 0.00538.
gnomAD v4.1: 4,316 of 876,856 alleles (0.49%); highest among the groups gnomAD compares: Non-Finnish European, 0.64%; 9 homozygotes.

Submissions (8):

Labcorp Genetics (formerly Invitae), Labcorp
Classification: Benign for Leber congenital amaurosis 6; Cone-rod dystrophy 13. Last evaluated: 2026-01-29. Review status: criteria provided, single submitter. Criteria: Invitae Variant Classification Sherloc (09022015). Collection method: clinical testing. Allele origin: germline.

Blueprint Genetics
Classification: Likely benign. Last evaluated: 2024-11-21. Review status: criteria provided, single submitter. Criteria: ACMG Guidelines, 2015. Collection method: clinical testing. Allele origin: germline.

ARUP Laboratories, Molecular Genetics and Genomics, ARUP Laboratories
Classification: Likely benign. Last evaluated: 2023-10-02. Review status: criteria provided, single submitter. Criteria: ARUP Molecular Germline Variant Investigation Process 2024. Collection method: clinical testing. Allele origin: germline.

Genome-Nilou Lab
Classification: Likely benign for Leber congenital amaurosis 6. Last evaluated: 2021-11-07. Review status: criteria provided, single submitter. Criteria: ACMG Guidelines, 2015. Collection method: clinical testing. Allele origin: germline. Affected: no.

Genome-Nilou Lab
Classification: Likely benign for Cone-rod dystrophy 13. Last evaluated: 2021-11-07. Review status: criteria provided, single submitter. Criteria: ACMG Guidelines, 2015. Collection method: clinical testing. Allele origin: germline. Affected: no.

Illumina Laboratory Services, Illumina
Classification: Uncertain significance for Leber congenital amaurosis 6. Last evaluated: 2018-01-13. Review status: criteria provided, single submitter. Criteria: ICSL Variant Classification Criteria 13 December 2019. Collection method: clinical testing. Allele origin: germline.

Illumina Laboratory Services, Illumina
Classification: Uncertain significance for Cone-rod dystrophy 13. Last evaluated: 2018-01-13. Review status: criteria provided, single submitter. Criteria: ICSL Variant Classification Criteria 13 December 2019. Collection method: clinical testing. Allele origin: germline.

GeneDx
Classification: Likely benign. Last evaluated: 2016-12-06. Review status: criteria provided, single submitter. Criteria: GeneDx Variant Classification (06012015). Collection method: clinical testing. Allele origin: germline. Affected: yes.
Comment: This variant is considered likely benign or benign based on one or more of the following criteria: it is a conservative change, it occurs at a poorly conserved position in the protein, it is predicted to be benign by multiple in silico algorithms, and/or has population frequency not consistent with disease.

NM_020366.4(RPGRIP1):c.218+13C>G

Gene: RPGRIP1 (RPGR interacting protein 1; plus strand). Cytogenetic location: 14q11.2.
Variant type: single nucleotide variant.
Coding change: c.218+13C>G on transcript NM_020366.4 (MANE Select); 13 bases into the intron after coding-DNA position 218, C replaced by G.
Molecular consequence: intron variant.
Genome position (GRCh38, 1-based): chr14:21,294,822, C>G. VCF-style: chr14-21294822-C-G. GRCh37 (hg19) VCF-style: chr14-21762981-C-G.
Identifiers: ClinVar variation 312780 (VCV000312780.25), dbSNP rs200225522, ClinGen allele CA7088596.